The following is an entry in ClinVar:

NM_001035.3(RYR2):c.9336T>C (p.Ile3112=)

Gene: RYR2 (ryanodine receptor 2; plus strand). Cytogenetic location: 1q43.
Variant type: single nucleotide variant.
Coding change: c.9336T>C on transcript NM_001035.3 (MANE Select); coding-DNA position 9336, T replaced by C.
Protein change: p.Ile3112=; no amino-acid change (isoleucine 3112 retained).
Molecular consequence: synonymous variant.
Genome position (GRCh38, 1-based): chr1:237,700,436, T>C. VCF-style: chr1-237700436-T-C. GRCh37 (hg19) VCF-style: chr1-237863736-T-C.
Identifiers: ClinVar variation 922440 (VCV000922440.6), dbSNP rs748626622, ClinGen allele CA424031496.

ClinVar aggregate classification (germline): Likely benign. Review status: criteria provided, multiple submitters, no conflicts (2 of 4 stars). 3 submissions from 3 submitters: Likely benign (3). Last evaluated 2024-06-25.

Conditions:
Catecholaminergic polymorphic ventricular tachycardia (CVPT). Also called: Catecholamine-induced polymorphic ventricular tachycardia. Identifiers: Orphanet 3286, MedGen C5574922, MONDO:0017990.
Cardiomyopathy (CMYO). Also called: Cardiomyopathies. Identifiers: Orphanet 167848, MedGen C0878544, MONDO:0004994, HP:0001638. Inheritance: Various modes of inheritance.
Catecholaminergic polymorphic ventricular tachycardia 1. Also called: VENTRICULAR TACHYCARDIA, CATECHOLAMINERGIC POLYMORPHIC, 1, WITH OR WITHOUT ATRIAL DYSFUNCTION AND/OR DILATED CARDIOMYOPATHY; RYR2-Related Catecholaminergic Polymorphic Ventricular Tachycardia; VENTRICULAR TACHYCARDIA, STRESS-INDUCED POLYMORPHIC 1. Identifiers: Orphanet 3286, MedGen C1631597, MONDO:0011484, OMIM 604772.

Allele frequency attached by ClinVar (database versions not stated): TOPMed 0.00001.
gnomAD v4.1: 1 of 1,601,088 alleles (0.000062%); highest among the groups gnomAD compares: East Asian, 0.0022%; no homozygotes.

Submissions (3):

Labcorp Genetics (formerly Invitae), Labcorp
Classification: Likely benign for Catecholaminergic polymorphic ventricular tachycardia 1. Last evaluated: 2024-06-25. Review status: criteria provided, single submitter. Criteria: Invitae Variant Classification Sherloc (09022015). Collection method: clinical testing. Allele origin: germline.

All of Us Research Program, National Institutes of Health
Classification: Likely benign for Catecholaminergic polymorphic ventricular tachycardia. Last evaluated: 2023-10-02. Review status: criteria provided, single submitter. Criteria: ACMG Guidelines, 2015. Collection method: clinical testing. Allele origin: germline. Inheritance: Autosomal dominant inheritance. Observed: 1 variant allele, 1 heterozygote.
Comment: This study involves interpretation of variants in research participants for the purpose of population health screening. Participant phenotype was not available at the time of variant classification. Additional details can be found in publication PMID: 35346344, PMCID: PMC8962531

Color Diagnostics, LLC DBA Color Health
Classification: Likely benign for Cardiomyopathy. Last evaluated: 2018-10-21. Review status: criteria provided, single submitter. Criteria: ACMG Guidelines, 2015. Collection method: clinical testing. Allele origin: germline.